The following is an entry in ClinVar:

NM_001228.5(CASP8):c.-26-8311_-26-8195delinsG

Genes: CASP8 (caspase 8; plus strand), LOC128772255 (melanoma risk locus-associated MPRA allelic enhancer 2:202122995; plus strand). Cytogenetic location: 2q33.1.
Variant type: Indel.
Coding change: c.-26-8311_-26-8195delinsG on transcript NM_001228.5; 8311 bases into the intron before 26 bases upstream of the start codon through 8195 bases into the intron before 26 bases upstream of the start codon, the reference bases replaced by G.
Molecular consequence: intron variant. On other transcripts: frameshift variant (3), initiator codon variant (3), 5 prime UTR variant (4), non-coding transcript variant (4), splice donor variant (6).
Genome position (GRCh38, 1-based): chr2:201,258,150-201,258,266, 117 bases replaced. GRCh37 (hg19): chr2:202,122,873-202,122,989.
Other names: c.-82_35delinsG, p.Met1fs (NM_001080125.2, NM_001400642.1, NM_001400665.1); c.-233_-117delinsG (NM_001400655.1, NM_001400662.1); c.-765_-649delinsG (NM_001400750.1, NM_001400751.1); c.-563_-559+112delinsG (NM_001400678.1); c.-31_-27+112delinsG (NM_001400668.1, NM_001400645.1, NM_001400656.1 and 1 more transcripts); c.-5_-1+112delinsG (NM_001400654.1); c.-26-8311_-26-8195delinsG (NM_001400651.1, NM_001400663.1, NM_001400648.1 and 2 more transcripts); c.1-8337_1-8221delinsG (NM_001400657.1, NM_001400660.1, NM_033355.4 and 1 more transcripts); and 3 more; short protein forms M1fs.
Identifiers: ClinVar variation 5008065 (VCV005008065.1).

ClinVar aggregate classification (germline): Uncertain significance (1 of 4 stars; one submission).

Submission:

GeneDx
Classification: Uncertain significance. Last evaluated: 2026-02-26. Review status: criteria provided, single submitter. Criteria: GeneDx Variant Classification Process June 2021. Collection method: clinical testing. Allele origin: germline.
Comment: Initiation codon variant predicted to alter the protein; however, a downstream in-frame Methionine residue could serve as an alternate initiator codon; Has not been previously published as pathogenic or benign to our knowledge; No data available from control populations to assess the frequency of this variant; Reported using an alternate transcript of the gene